The following is an entry in ClinVar:

NM_007294.4(BRCA1):c.4705A>T (p.Ser1569Cys)

Gene: BRCA1 (BRCA1 DNA repair associated; minus strand). Cytogenetic location: 17q21.31.
Variant type: single nucleotide variant.
Coding change: c.4705A>T on transcript NM_007294.4 (MANE Select); coding-DNA position 4705, A replaced by T.
Protein change: p.Ser1569Cys; replaces serine 1569 with cysteine.
Molecular consequence: missense variant. On other transcripts: intron variant (1).
Genome position (GRCh38, 1-based): chr17:43,071,209, T>A on the plus strand (A>T on the coding strand, the complement: BRCA1 is on the minus strand). VCF-style: chr17-43071209-T-A. GRCh37 (hg19) VCF-style: chr17-41223226-T-A.
Other names: c.4492A>T, p.Ser1498Cys (NM_001407571.1, NM_001407894.1, NM_001407895.1 and 12 more transcripts); c.4771A>T, p.Ser1591Cys (NM_001407581.1, NM_001407582.1); c.4768A>T, p.Ser1590Cys (NM_001407583.1, NM_001407585.1, NM_001407587.1 and 1 more transcripts); c.4765A>T, p.Ser1589Cys (NM_001407590.1, NM_001407591.1); c.4705A>T, p.Ser1569Cys (NM_001407593.1, NM_001407594.1, NM_001407596.1 and 8 more transcripts); c.4702A>T, p.Ser1568Cys (NM_001407610.1, NM_001407611.1, NM_001407612.1 and 17 more transcripts); c.4699A>T, p.Ser1567Cys (NM_001407627.1, NM_001407628.1, NM_001407629.1 and 14 more transcripts); c.4696A>T, p.Ser1566Cys (NM_001407644.1, NM_001407645.1); and 71 more; short protein forms S1272C, S1273C, S1400C, S1415C, S1440C, S1441C, S1442C, S1456C.
Identifiers: ClinVar variation 4808452 (VCV004808452.1).

ClinVar aggregate classification (germline): Uncertain significance (1 of 4 stars; one submission).

Conditions:
Hereditary breast ovarian cancer syndrome. Also called: Hereditary breast and/or ovarian cancer syndrome; Breast and ovarian cancer; Hereditary breast and ovarian cancer; Hereditary breast and ovarian cancer syndrome; Hereditary breast and ovarian cancer syndrome (HBOC); BRCA1- and BRCA2-Associated Hereditary Breast and Ovarian Cancer. Identifiers: Orphanet 145, MedGen C0677776, MeSH D061325, MONDO:0003582. Disease mechanism: loss of function.

gnomAD v4.1: 3 of 1,614,198 alleles (0.00019%); highest among the groups gnomAD compares: Non-Finnish European, 0.00025%; no homozygotes.

Submission:

Labcorp Genetics (formerly Invitae), Labcorp
Classification: Uncertain significance for Hereditary breast ovarian cancer syndrome. Last evaluated: 2026-01-17. Review status: criteria provided, single submitter. Criteria: Invitae Variant Classification Sherloc (09022015). Collection method: clinical testing. Allele origin: germline.
Comment: This sequence change replaces serine, which is neutral and polar, with cysteine, which is neutral and slightly polar, at codon 1569 of the BRCA1 protein (p.Ser1569Cys). This variant is not present in population databases (gnomAD no frequency). This variant has not been reported in the literature in individuals affected with BRCA1-related conditions. Invitae Evidence Modeling of protein sequence and biophysical properties (such as structural, functional, and spatial information, amino acid conservation, physicochemical variation, residue mobility, and thermodynamic stability) has been performed for this missense variant. However, the output from this modeling did not meet the statistical confidence thresholds required to predict the impact of this variant on BRCA1 protein function. In summary, the available evidence is currently insufficient to determine the role of this variant in disease. Therefore, it has been classified as a Variant of Uncertain Significance.